The following is an entry in ClinVar:

NM_001330260.2(SCN8A):c.1387A>G (p.Ile463Val)

Gene: SCN8A (sodium voltage-gated channel alpha subunit 8; plus strand). Cytogenetic location: 12q13.13.
Variant type: single nucleotide variant.
Coding change: c.1387A>G on transcript NM_001330260.2 (MANE Select); coding-DNA position 1387, A replaced by G.
Protein change: p.Ile463Val; replaces isoleucine 463 with valine.
Molecular consequence: missense variant.
Genome position (GRCh38, 1-based): chr12:51,706,467, A>G. VCF-style: chr12-51706467-A-G. GRCh37 (hg19) VCF-style: chr12-52100251-A-G.
Other names: c.1387A>G, p.Ile463Val (NM_001177984.3, NM_001369788.1, NM_014191.4); short protein forms I463V.
Identifiers: ClinVar variation 2166868 (VCV002166868.4), dbSNP rs2540185866, ClinGen allele CA385228690.

ClinVar aggregate classification (germline): Uncertain significance (1 of 4 stars; one submission).

Conditions:
Early-infantile DEE. Also called: Ohtahara syndrome; Early infantile epileptic encephalopathy with suppression bursts; Early infantile epileptic encephalopathy. Identifiers: Orphanet 1934, MedGen C0393706, MONDO:0800491.

Allele frequency attached by ClinVar (database versions not stated): gnomAD exomes 0.00001.
gnomAD v4.1: 7 of 1,604,948 alleles (0.00044%); highest among the groups gnomAD compares: Non-Finnish European, 0.0006%; no homozygotes.

Submission:

Labcorp Genetics (formerly Invitae), Labcorp
Classification: Uncertain significance for Early-infantile DEE. Last evaluated: 2022-12-30. Review status: criteria provided, single submitter. Criteria: Invitae Variant Classification Sherloc (09022015). Collection method: clinical testing. Allele origin: germline.
Comment: In summary, the available evidence is currently insufficient to determine the role of this variant in disease. Therefore, it has been classified as a Variant of Uncertain Significance. Advanced modeling of protein sequence and biophysical properties (such as structural, functional, and spatial information, amino acid conservation, physicochemical variation, residue mobility, and thermodynamic stability) performed at Invitae indicates that this missense variant is not expected to disrupt SCN8A protein function. This variant has not been reported in the literature in individuals affected with SCN8A-related conditions. This variant is not present in population databases (gnomAD no frequency). This sequence change replaces isoleucine, which is neutral and non-polar, with valine, which is neutral and non-polar, at codon 463 of the SCN8A protein (p.Ile463Val).